The following is an entry in ClinVar:

ClinVar aggregate classification (germline): Likely benign. Review status: criteria provided, multiple submitters, no conflicts (2 of 4 stars). 3 submissions from 3 submitters: Likely benign (2). 1 of the submissions does not count toward it. Last evaluated 2025-08-13.

Conditions:
ARID1B-Related Disorder. Identifiers: MedGen CN381337.

Allele frequency attached by ClinVar (database versions not stated): ExAC 0.00002; gnomAD 0.00005; ESP Exome Variant Server 0.00008; TOPMed 0.00008.
gnomAD v4.1: 60 of 1,614,030 alleles (0.0037%); highest among the groups gnomAD compares: Middle Eastern, 0.016%; no homozygotes.

Submissions (3):

Labcorp Genetics (formerly Invitae), Labcorp
Classification: Likely benign. Last evaluated: 2025-08-13. Review status: criteria provided, single submitter. Criteria: Invitae Variant Classification Sherloc (09022015). Collection method: clinical testing. Allele origin: germline.

Blueprint Genetics
Classification: Likely benign. Last evaluated: 2024-01-03. Review status: criteria provided, single submitter. Criteria: ACMG Guidelines, 2015. Collection method: clinical testing. Allele origin: germline.

PreventionGenetics, part of Exact Sciences
Classification: Likely benign for ARID1B-related condition. Last evaluated: 2024-02-06. Review status: no assertion criteria provided. Collection method: clinical testing. Allele origin: germline. Not counted in ClinVar's aggregate classification.
Comment: This variant is classified as likely benign based on ACMG/AMP sequence variant interpretation guidelines (Richards et al. 2015 PMID: 25741868, with internal and published modifications).

NM_001374828.1(ARID1B):c.5792G>A (p.Arg1931His)

Gene: ARID1B (AT-rich interaction domain 1B; plus strand). Cytogenetic location: 6q25.3.
Variant type: single nucleotide variant.
Coding change: c.5792G>A on transcript NM_001374828.1 (MANE Select); coding-DNA position 5792, G replaced by A.
Protein change: p.Arg1931His; replaces arginine 1931 with histidine.
Molecular consequence: missense variant.
Genome position (GRCh38, 1-based): chr6:157,206,564, G>A. VCF-style: chr6-157206564-G-A. GRCh37 (hg19) VCF-style: chr6-157527698-G-A.
Other names: c.5543G>A, p.Arg1848His (NM_001346813.1); c.3293G>A, p.Arg1098His (NM_001363725.2); c.5672G>A, p.Arg1891His (NM_001371656.1, NM_001374820.1); c.5633G>A, p.Arg1878His (NM_017519.3); c.5423G>A, p.Arg1808His (NM_020732.3); c.5210G>A, p.Arg1737His (NM_175863.2); short protein forms R1848H, R1891H, R1098H, R1878H, R1737H, R1808H, R1931H.
Identifiers: ClinVar variation 2901742 (VCV002901742.5), dbSNP rs376758952, ClinGen allele CA4067899.